The following is an entry in ClinVar:

NM_018206.6(VPS35):c.1725G>C (p.Glu575Asp)

Gene: VPS35 (VPS35 retromer complex component; minus strand). Cytogenetic location: 16q11.2.
Variant type: single nucleotide variant.
Coding change: c.1725G>C on transcript NM_018206.6 (MANE Select); coding-DNA position 1725, G replaced by C.
Protein change: p.Glu575Asp; replaces glutamic acid 575 with aspartic acid.
Molecular consequence: missense variant.
Genome position (GRCh38, 1-based): chr16:46,663,085, C>G on the plus strand (G>C on the coding strand, the complement: VPS35 is on the minus strand). VCF-style: chr16-46663085-C-G. GRCh37 (hg19) VCF-style: chr16-46696997-C-G.
Other names: short protein forms E575D.
Identifiers: ClinVar variation 4888119 (VCV004888119.1).

ClinVar aggregate classification (germline): Uncertain significance (1 of 4 stars; one submission).

Submission:

GeneDx
Classification: Uncertain significance. Last evaluated: 2026-02-04. Review status: criteria provided, single submitter. Criteria: GeneDx Variant Classification Process June 2021. Collection method: clinical testing. Allele origin: germline.
Comment: Not observed at significant frequency in large population cohorts (gnomAD); In silico analysis suggests that this missense variant does not alter protein structure/function; Has not been previously published as pathogenic or benign to our knowledge